The following is an entry in ClinVar:

NM_014141.6(CNTNAP2):c.152C>T (p.Ser51Phe)

Gene: CNTNAP2 (contactin associated protein 2; plus strand). Cytogenetic location: 7q35.
Variant type: single nucleotide variant.
Coding change: c.152C>T on transcript NM_014141.6 (MANE Select); coding-DNA position 152, C replaced by T.
Protein change: p.Ser51Phe; replaces serine 51 with phenylalanine.
Molecular consequence: missense variant.
Genome position (GRCh38, 1-based): chr7:146,774,325, C>T. VCF-style: chr7-146774325-C-T. GRCh37 (hg19) VCF-style: chr7-146471417-C-T.
Other names: short protein forms S51F.
Identifiers: ClinVar variation 1320942 (VCV001320942.2), dbSNP rs183378415, ClinGen allele CA4545707.

ClinVar aggregate classification (germline): Uncertain significance (1 of 4 stars; one submission).

Allele frequency attached by ClinVar (database versions not stated): ExAC 0.00001.
gnomAD v4.1: 3 of 1,614,002 alleles (0.00019%); highest among the groups gnomAD compares: East Asian, 0.0022%; no homozygotes.

Submission:

GeneDx
Classification: Uncertain significance. Last evaluated: 2021-07-31. Review status: criteria provided, single submitter. Criteria: GeneDx Variant Classification Process June 2021. Collection method: clinical testing. Allele origin: germline. Affected: yes.
Comment: Has not been previously published as pathogenic or benign to our knowledge; Not observed at significant frequency in large population cohorts (Lek et al., 2016); In silico analysis supports that this missense variant has a deleterious effect on protein structure/function